The following is an entry in ClinVar:

ClinVar aggregate classification (germline): Uncertain significance (1 of 4 stars; one submission).

Conditions:
Joubert syndrome 21 (JBTS21). Identifiers: MedGen C3810212, MONDO:0014288, OMIM 615636.

gnomAD v4.1: 11 of 1,613,510 alleles (0.00068%); highest among the groups gnomAD compares: East Asian, 0.0022%; no homozygotes.

Submission:

Labcorp Genetics (formerly Invitae), Labcorp
Classification: Uncertain significance for Joubert syndrome 21. Last evaluated: 2022-07-12. Review status: criteria provided, single submitter. Criteria: Invitae Variant Classification Sherloc (09022015). Collection method: clinical testing. Allele origin: germline.
Comment: This variant has not been reported in the literature in individuals affected with CSPP1-related conditions. This variant is present in population databases (no rsID available, gnomAD 0.01%). This sequence change replaces proline, which is neutral and non-polar, with leucine, which is neutral and non-polar, at codon 587 of the CSPP1 protein (p.Pro587Leu). In summary, the available evidence is currently insufficient to determine the role of this variant in disease. Therefore, it has been classified as a Variant of Uncertain Significance. Algorithms developed to predict the effect of missense changes on protein structure and function output the following: SIFT: "Tolerated"; PolyPhen-2: "Benign"; Align-GVGD: "Class C0". The leucine amino acid residue is found in multiple mammalian species, which suggests that this missense change does not adversely affect protein function.

NM_001382391.1(CSPP1):c.1775C>T (p.Pro592Leu)

Gene: CSPP1 (centrosome and spindle pole associated protein 1; plus strand). Cytogenetic location: 8q13.2.
Variant type: single nucleotide variant.
Coding change: c.1775C>T on transcript NM_001382391.1 (MANE Select); coding-DNA position 1775, C replaced by T.
Protein change: p.Pro592Leu; replaces proline 592 with leucine.
Molecular consequence: missense variant.
Genome position (GRCh38, 1-based): chr8:67,132,028, C>T. VCF-style: chr8-67132028-C-T. GRCh37 (hg19) VCF-style: chr8-68044263-C-T.
Other names: c.878C>T, p.Pro293Leu (NM_001291339.2); c.1694C>T, p.Pro565Leu (NM_001363131.2); c.1733C>T, p.Pro578Leu (NM_001363132.2); c.1652C>T, p.Pro551Leu (NM_001363133.2); c.1841C>T, p.Pro614Leu (NM_001364869.1); c.1661C>T, p.Pro554Leu (NM_001364870.1); c.1760C>T, p.Pro587Leu (NM_024790.7); short protein forms P554L, P578L, P293L, P565L, P587L, P592L, P551L, P614L.
Identifiers: ClinVar variation 1964193 (VCV001964193.5), dbSNP rs767318500, ClinGen allele CA371203675.